The following is an entry in ClinVar:

ClinVar aggregate classification (germline): Conflicting classifications of pathogenicity. Review status: criteria provided, conflicting classifications (1 of 4 stars). 2 submissions from 2 submitters: Uncertain significance (1); Likely benign (1). Last evaluated 2023-03-23.

Conditions:
Hereditary cancer-predisposing syndrome. Also called: Hereditary neoplastic syndrome; Neoplastic Syndromes, Hereditary; Tumor predisposition; Hereditary Cancer Syndrome. Identifiers: Orphanet 140162, MedGen C0027672, MeSH D009386, MONDO:0015356.
Hereditary breast ovarian cancer syndrome. Also called: Hereditary breast and ovarian cancer syndrome (HBOC); BRCA1- and BRCA2-Associated Hereditary Breast and Ovarian Cancer; Hereditary breast and ovarian cancer syndrome; Breast and ovarian cancer; Hereditary breast and ovarian cancer; Hereditary breast and/or ovarian cancer syndrome. Identifiers: Orphanet 145, MedGen C0677776, MeSH D061325, MONDO:0003582. Disease mechanism: loss of function.

Submissions (2):

University of Washington Department of Laboratory Medicine, University of Washington
Classification: Likely benign for Hereditary cancer-predisposing syndrome. Last evaluated: 2023-03-23. Review status: criteria provided, single submitter. Criteria: Dines et al. (Genet Med. 2020). Collection method: curation. Allele origin: germline.
Comment: Missense variant in a coldspot region where missense variants are very unlikely to be pathogenic (PMID:31911673).

BRCA2 exon 11 coldspot. Reclassification based on statistical prior probability.

Labcorp Genetics (formerly Invitae), Labcorp
Classification: Uncertain significance for Hereditary breast ovarian cancer syndrome. Last evaluated: 2019-10-29. Review status: criteria provided, single submitter. Criteria: Invitae Variant Classification Sherloc (09022015). Collection method: clinical testing. Allele origin: germline.
Comment: In summary, the available evidence is currently insufficient to determine the role of this variant in disease. Therefore, it has been classified as a Variant of Uncertain Significance. Algorithms developed to predict the effect of missense changes on protein structure and function output the following: SIFT: "Tolerated"; PolyPhen-2: "Benign"; Align-GVGD: "Class C0". The threonine amino acid residue is found in multiple mammalian species, suggesting that this missense change does not adversely affect protein function. These predictions have not been confirmed by published functional studies and their clinical significance is uncertain. This variant has not been reported in the literature in individuals with BRCA2-related disease. This variant is not present in population databases (ExAC no frequency). This sequence change replaces alanine with threonine at codon 843 of the BRCA2 protein (p.Ala843Thr). The alanine residue is weakly conserved and there is a small physicochemical difference between alanine and threonine.

NM_000059.4(BRCA2):c.2527G>A (p.Ala843Thr)

Gene: BRCA2 (BRCA2 DNA repair associated; plus strand). Cytogenetic location: 13q13.1.
Variant type: single nucleotide variant.
Coding change: c.2527G>A on transcript NM_000059.4 (MANE Select); coding-DNA position 2527, G replaced by A.
Protein change: p.Ala843Thr; replaces alanine 843 with threonine.
Molecular consequence: missense variant.
Genome position (GRCh38, 1-based): chr13:32,336,882, G>A. VCF-style: chr13-32336882-G-A. GRCh37 (hg19) VCF-style: chr13-32911019-G-A.
Other names: short protein forms A843T.
Identifiers: ClinVar variation 531414 (VCV000531414.12), dbSNP rs1555282730, ClinGen allele CA387772480.